The following is an entry in ClinVar:

NM_014208.3(DSPP):c.3147T>C (p.Ser1049=)

Genes: DMP1-AS1 (DMP1 and DSPP antisense RNA 1; minus strand), DSPP (dentin sialophosphoprotein; plus strand). Cytogenetic location: 4q22.1.
Variant type: single nucleotide variant.
Coding change: c.3147T>C on transcript NM_014208.3 (MANE Select); coding-DNA position 3147, T replaced by C.
Protein change: p.Ser1049=; no amino-acid change (serine 1049 retained).
Molecular consequence: synonymous variant.
Genome position (GRCh38, 1-based): chr4:87,615,809, T>C. VCF-style: chr4-87615809-T-C. GRCh37 (hg19) VCF-style: chr4-88536961-T-C.
Identifiers: ClinVar variation 3025036 (VCV003025036.23), dbSNP rs373171676, ClinGen allele CA3001439.

ClinVar aggregate classification (germline): Likely benign. Review status: criteria provided, multiple submitters, no conflicts (2 of 4 stars). 2 submissions from 2 submitters: Likely benign (2). Last evaluated 2024-09-16.

Allele frequency attached by ClinVar (database versions not stated): gnomAD exomes 0.00016; ExAC 0.00020; ESP Exome Variant Server 0.00023.

Submissions (2):

Blueprint Genetics
Classification: Likely benign. Last evaluated: 2024-09-16. Review status: criteria provided, single submitter. Criteria: ACMG Guidelines, 2015. Collection method: clinical testing. Allele origin: germline.

CeGaT Center for Human Genetics Tuebingen
Classification: Likely benign. Last evaluated: 2023-12-01. Review status: criteria provided, single submitter. Criteria: CeGaT Center For Human Genetics Tuebingen Variant Classification Criteria Version 2. Collection method: clinical testing. Allele origin: germline. Affected: yes. Observed: 1 variant allele.
Comment: DSPP: BP4, BP7